The following is an entry in ClinVar:

ClinVar aggregate classification (germline): Pathogenic (1 of 4 stars; one submission).

Conditions:
3-methylcrotonyl-CoA carboxylase 1 deficiency (MCC1D). Also called: MCCD TYPE 1; METHYLCROTONYLGLYCINURIA TYPE I; MCC 1 deficiency; 3 Alpha methylcrotonylglycinuria 1. Identifiers: Orphanet 6, MedGen CN028786, MONDO:0008861, OMIM 210200.

Submission:

Labcorp Genetics (formerly Invitae), Labcorp
Classification: Pathogenic for 3-methylcrotonyl-CoA carboxylase 1 deficiency. Last evaluated: 2025-01-13. Review status: criteria provided, single submitter. Criteria: Invitae Variant Classification Sherloc (09022015). Collection method: clinical testing. Allele origin: germline.
Comment: This sequence change creates a premature translational stop signal (p.Gln378*) in the MCCC1 gene. It is expected to result in an absent or disrupted protein product. Loss-of-function variants in MCCC1 are known to be pathogenic (PMID: 11181649, 15359379, 22642865). This variant is not present in population databases (gnomAD no frequency). This variant has not been reported in the literature in individuals affected with MCCC1-related conditions. ClinVar contains an entry for this variant (Variation ID: 1364122). For these reasons, this variant has been classified as Pathogenic.

Literature cited by the submitters: PubMed 11181649; PubMed 15359379; PubMed 22642865.

NM_020166.5(MCCC1):c.1132C>T (p.Gln378Ter)

Gene: MCCC1 (methylcrotonyl-CoA carboxylase subunit 1; minus strand). Cytogenetic location: 3q27.1.
Variant type: single nucleotide variant.
Coding change: c.1132C>T on transcript NM_020166.5 (MANE Select); coding-DNA position 1132, C replaced by T.
Protein change: p.Gln378Ter; replaces glutamine 378 with a stop codon.
Molecular consequence: nonsense. On other transcripts: non-coding transcript variant (2).
Genome position (GRCh38, 1-based): chr3:183,041,702, G>A on the plus strand (C>T on the coding strand, the complement: MCCC1 is on the minus strand). VCF-style: chr3-183041702-G-A. GRCh37 (hg19) VCF-style: chr3-182759490-G-A.
Other names: c.781C>T, p.Gln261Ter (NM_001293273.2); c.805C>T, p.Gln269Ter (NM_001363880.1); short protein forms Q261*, Q269*, Q378*.
Identifiers: ClinVar variation 1364122 (VCV001364122.6), dbSNP rs2108479383, ClinGen allele CA355323233.